The following is an entry in ClinVar:

ClinVar aggregate classification (germline): Uncertain significance (1 of 4 stars; one submission).

Conditions:
Inborn genetic diseases. Identifiers: MedGen C0950123, MeSH D030342.

Submission:

Ambry Genetics
Classification: Uncertain significance for Inborn genetic diseases. Last evaluated: 2025-06-28. Review status: criteria provided, single submitter. Criteria: Ambry Variant Classification Scheme 2023. Collection method: clinical testing. Allele origin: germline.
Comment: The p.T1585S variant (also known as c.4754C>G), located in coding exon 32 of the ANKRD26 gene, results from a C to G substitution at nucleotide position 4754. The threonine at codon 1585 is replaced by serine, an amino acid with similar properties. This amino acid position is conserved. In addition, this alteration is predicted to be tolerated by in silico analysis. Based on the available evidence, the clinical significance of this variant remains unclear.

NM_014915.3(ANKRD26):c.4754C>G (p.Thr1585Ser)

Gene: ANKRD26 (ankyrin repeat domain containing 26; minus strand). Cytogenetic location: 10p12.1.
Variant type: single nucleotide variant.
Coding change: c.4754C>G on transcript NM_014915.3 (MANE Select); coding-DNA position 4754, C replaced by G.
Protein change: p.Thr1585Ser; replaces threonine 1585 with serine.
Molecular consequence: missense variant.
Genome position (GRCh38, 1-based): chr10:27,013,081, G>C on the plus strand (C>G on the coding strand, the complement: ANKRD26 is on the minus strand). VCF-style: chr10-27013081-G-C. GRCh37 (hg19) VCF-style: chr10-27302010-G-C.
Other names: c.4751C>G, p.Thr1584Ser (NM_001256053.2); short protein forms T1584S, T1585S.
Identifiers: ClinVar variation 4103107 (VCV004103107.1).